The following is an entry in ClinVar:

NM_000487.6(ARSA):c.*1570C>T

Gene: ARSA (arylsulfatase A; minus strand). Cytogenetic location: 22q13.33.
Variant type: single nucleotide variant.
Coding change: c.*1570C>T on transcript NM_000487.6 (MANE Select); 1570 bases downstream of the stop codon, C replaced by T.
Molecular consequence: 3 prime UTR variant.
Genome position (GRCh38, 1-based): chr22:50,623,575, G>A on the plus strand (C>T on the coding strand, the complement: ARSA is on the minus strand). VCF-style: chr22-50623575-G-A. GRCh37 (hg19) VCF-style: chr22-51062003-G-A.
Other names: c.*1570C>T (NM_001085425.3, NM_001085426.3, NM_001085427.3 and 2 more transcripts).
Identifiers: ClinVar variation 342197 (VCV000342197.5), dbSNP rs79823940, ClinGen allele CA10653673.

ClinVar aggregate classification (germline): Benign (1 of 4 stars; one submission).

Conditions:
Metachromatic leukodystrophy (MLD). Also called: ARSA DEFICIENCY; CEREBROSIDE SULFATASE DEFICIENCY; METACHROMATIC LEUKOENCEPHALOPATHY; SULFATIDE LIPIDOSIS; Cerebral sclerosis diffuse metachromatic form; Arylsulfatase A Deficiency. Identifiers: Orphanet 512, MedGen C0023522, MONDO:0018868, OMIM 250100.

Allele frequency attached by ClinVar (database versions not stated): gnomAD 0.07507 and 0.07964; TOPMed 0.07924; 1000 Genomes Project 30x 0.11477; 1000 Genomes Project 0.12081.
gnomAD v4.1: 12,146 of 152,090 alleles (8%); highest among the groups gnomAD compares: East Asian, 27%; 589 homozygotes.

Submission:

Illumina Laboratory Services, Illumina
Classification: Benign for Metachromatic leukodystrophy. Last evaluated: 2018-01-13. Review status: criteria provided, single submitter. Criteria: ICSL Variant Classification Criteria 13 December 2019. Collection method: clinical testing. Allele origin: germline.
Comment: This variant was observed in the ICSL laboratory as part of a predisposition screen in an ostensibly healthy population. It had not been previously curated by ICSL or reported in the Human Gene Mutation Database (HGMD: prior to June 1st, 2018), and was therefore a candidate for classification through an automated scoring system. Utilizing variant allele frequency, disease prevalence and penetrance estimates, and inheritance mode, an automated score was calculated to assess if this variant is too frequent to cause the disease. Based on the score and internal cut-off values, a variant classified as benign is not then subjected to further curation. The score for this variant resulted in a classification of benign for this disease.